The following is an entry in ClinVar:

ClinVar aggregate classification (germline): Likely benign. Review status: criteria provided, single submitter (1 of 4 stars). 2 submissions from 2 submitters: Likely benign (1). 1 of the submissions does not count toward it. Last evaluated 2024-11-20.

Conditions:
BRWD1-related disorder. Also called: BRWD1-related condition.

Allele frequency attached by ClinVar (database versions not stated): ExAC 0.00075; gnomAD 0.00089; TOPMed 0.00102; ESP Exome Variant Server 0.00139; gnomAD exomes 0.00146.
gnomAD v4.1: 2,178 of 1,581,220 alleles (0.14%); highest among the groups gnomAD compares: Non-Finnish European, 0.18%; no homozygotes.

Submissions (2):

Blueprint Genetics
Classification: Likely benign. Last evaluated: 2024-11-20. Review status: criteria provided, single submitter. Criteria: ACMG Guidelines, 2015. Collection method: clinical testing. Allele origin: germline.

PreventionGenetics, part of Exact Sciences
Classification: Likely benign for BRWD1-related condition. Last evaluated: 2019-09-19. Review status: no assertion criteria provided. Collection method: clinical testing. Allele origin: germline. Not counted in ClinVar's aggregate classification.
Comment: This variant is classified as likely benign based on ACMG/AMP sequence variant interpretation guidelines (Richards et al. 2015 PMID: 25741868, with internal and published modifications).

NM_033656.4(BRWD1):c.2340C>T (p.Leu780=)

Gene: BRWD1 (bromodomain and WD repeat domain containing 1; minus strand). Cytogenetic location: 21q22.2.
Variant type: single nucleotide variant.
Coding change: c.2340C>T on transcript NM_033656.4 (MANE Select); coding-DNA position 2340, C replaced by T.
Protein change: p.Leu780=; no amino-acid change (leucine 780 retained).
Molecular consequence: synonymous variant.
Genome position (GRCh38, 1-based): chr21:39,250,805, G>A on the plus strand (C>T on the coding strand, the complement: BRWD1 is on the minus strand). VCF-style: chr21-39250805-G-A. GRCh37 (hg19) VCF-style: chr21-40622731-G-A.
Other names: c.2340C>T, p.Leu780= (NM_018963.5).
Identifiers: ClinVar variation 3040546 (VCV003040546.3), dbSNP rs146415119, ClinGen allele CA10027276.